The following is an entry in ClinVar:

ClinVar aggregate classification (germline): other (0 of 4 stars; one submission).

Conditions:
Familial colorectal cancer. Identifiers: MedGen CN280943, MONDO:0023113. Disease mechanism: loss of function.

Submission:

Systems Biology Platform Zhejiang California International NanoSystems Institute
Classification: other for Familial colorectal cancer. Review status: no assertion criteria provided. Collection method: not provided. Allele origin: unknown.
ClinVar note: Converted during submission from cancer to other.

NM_000038.6(APC):c.835-3245C>A

Gene: APC (APC regulator of WNT signaling pathway; plus strand). Cytogenetic location: 5q22.2.
Variant type: single nucleotide variant.
Coding change: c.835-3245C>A on transcript NM_000038.6 (MANE Select); 3245 bases into the intron before coding-DNA position 835, C replaced by A.
Molecular consequence: intron variant.
Genome position (GRCh38, 1-based): chr5:112,812,250, C>A. VCF-style: chr5-112812250-C-A. GRCh37 (hg19) VCF-style: chr5-112147947-C-A.
Other names: c.835-3245C>A (NM_001354895.2, NM_001127510.3, NM_001354896.2 and 1 more transcripts); c.865-3245C>A (NM_001354897.2, NM_001354902.2); c.781-3245C>A (NM_001127511.3); c.760-3245C>A (NM_001354898.2, NM_001354904.2); c.-16+1939C>A (NM_001354906.2); c.751-3245C>A (NM_001354899.2); c.658-3245C>A (NM_001354900.2, NM_001354901.2, NM_001354905.2).
Identifiers: ClinVar variation 83086 (VCV000083086.2), dbSNP rs78610234, ClinGen allele CA015150.